The following is an entry in ClinVar:

NM_001008212.2(OPTN):c.430A>G (p.Arg144Gly)

Gene: OPTN (optineurin; plus strand). Cytogenetic location: 10p13.
Variant type: single nucleotide variant.
Coding change: c.430A>G on transcript NM_001008212.2 (MANE Select); coding-DNA position 430, A replaced by G.
Protein change: p.Arg144Gly; replaces arginine 144 with glycine.
Molecular consequence: missense variant.
Genome position (GRCh38, 1-based): chr10:13,112,513, A>G. VCF-style: chr10-13112513-A-G. GRCh37 (hg19) VCF-style: chr10-13154513-A-G.
Other names: c.430A>G, p.Arg144Gly (NM_001008211.1, NM_001008213.1, NM_021980.4); short protein forms R144G.
Identifiers: ClinVar variation 3348526 (VCV003348526.1).

ClinVar aggregate classification (germline): Uncertain significance (0 of 4 stars; one submission).

Conditions:
OPTN-related disorder. Also called: OPTN-related condition; OPTN-related disorders.

gnomAD v4.1: 1 of 1,614,060 alleles (0.000062%); highest among the groups gnomAD compares: Non-Finnish European, 0.000085%; no homozygotes.

Submission:

PreventionGenetics, part of Exact Sciences
Classification: Uncertain significance for OPTN-related condition. Last evaluated: 2023-11-09. Review status: no assertion criteria provided. Collection method: clinical testing. Allele origin: germline.
Comment: The OPTN c.430A>G variant is predicted to result in the amino acid substitution p.Arg144Gly. To our knowledge, this variant has not been reported in the literature. This variant is reported in 0.00088% of alleles in individuals of European (Non-Finnish) descent in gnomAD. At this time, the clinical significance of this variant is uncertain due to the absence of conclusive functional and genetic evidence.